The following is an entry in ClinVar:

NM_000554.6(CRX):c.675G>C (p.Met225Ile)

Gene: CRX (cone-rod homeobox; plus strand). Cytogenetic location: 19q13.33.
Variant type: single nucleotide variant.
Coding change: c.675G>C on transcript NM_000554.6 (MANE Select); coding-DNA position 675, G replaced by C.
Protein change: p.Met225Ile; replaces methionine 225 with isoleucine.
Molecular consequence: missense variant.
Genome position (GRCh38, 1-based): chr19:47,839,742, G>C. VCF-style: chr19-47839742-G-C. GRCh37 (hg19) VCF-style: chr19-48342999-G-C.
Other names: short protein forms M225I.
Identifiers: ClinVar variation 2090236 (VCV002090236.5), dbSNP rs751392467, ClinGen allele CA9544551.

ClinVar aggregate classification (germline): Uncertain significance. Review status: criteria provided, multiple submitters, no conflicts (2 of 4 stars). 2 submissions from 2 submitters: Uncertain significance (2). Last evaluated 2023-02-03.

Conditions:
Leber congenital amaurosis 7 (LCA7). Identifiers: Orphanet 65, MedGen C3151192, MONDO:0013449, OMIM 613829.
Cone-rod dystrophy 2 (CORD2). Also called: CONE-ROD RETINAL DYSTROPHY; Cone-rod retinal dystrophy 2. Identifiers: Orphanet 1872, MedGen C3489532, MONDO:0007362, OMIM 120970.

Allele frequency attached by ClinVar (database versions not stated): gnomAD exomes below 0.00001; ExAC 0.00002.
gnomAD v4.1: 2 of 1,613,988 alleles (0.00012%); highest among the groups gnomAD compares: Non-Finnish European, 0.00017%; no homozygotes.

Submissions (2):

Blueprint Genetics
Classification: Uncertain significance. Last evaluated: 2023-02-03. Review status: criteria provided, single submitter. Criteria: ACMG Guidelines, 2015. Collection method: clinical testing. Allele origin: germline.

Labcorp Genetics (formerly Invitae), Labcorp
Classification: Uncertain significance for Cone-rod dystrophy 2; Leber congenital amaurosis 7. Last evaluated: 2022-07-12. Review status: criteria provided, single submitter. Criteria: Invitae Variant Classification Sherloc (09022015). Collection method: clinical testing. Allele origin: germline.
Comment: This sequence change replaces methionine, which is neutral and non-polar, with isoleucine, which is neutral and non-polar, at codon 225 of the CRX protein (p.Met225Ile). This variant is present in population databases (rs751392467, gnomAD 0.002%). This variant has not been reported in the literature in individuals affected with CRX-related conditions. Algorithms developed to predict the effect of missense changes on protein structure and function are either unavailable or do not agree on the potential impact of this missense change (SIFT: "Deleterious"; PolyPhen-2: "Probably Damaging"; Align-GVGD: "Class C0"). In summary, the available evidence is currently insufficient to determine the role of this variant in disease. Therefore, it has been classified as a Variant of Uncertain Significance.